The following is an entry in ClinVar:

NM_000052.7(ATP7A):c.2909A>G (p.Tyr970Cys)

Gene: ATP7A (ATPase copper transporting alpha; plus strand). Cytogenetic location: Xq21.1.
Variant type: single nucleotide variant.
Coding change: c.2909A>G on transcript NM_000052.7 (MANE Select); coding-DNA position 2909, A replaced by G.
Protein change: p.Tyr970Cys; replaces tyrosine 970 with cysteine.
Molecular consequence: missense variant.
Genome position (GRCh38, 1-based): chrX:78,021,072, A>G. VCF-style: chrX-78021072-A-G. GRCh37 (hg19) VCF-style: chrX-77276569-A-G.
Other names: c.2675A>G, p.Tyr892Cys (NM_001282224.2); short protein forms Y970C, Y892C.
Identifiers: ClinVar variation 1380117 (VCV001380117.5), dbSNP rs1557235740, ClinGen allele CA413602967.

ClinVar aggregate classification (germline): Uncertain significance (1 of 4 stars; one submission).

Conditions:
Cutis laxa, X-linked (OHS). Also called: EDS IX; Occipital horn syndrome. Identifiers: Orphanet 198, MedGen C0268353, MONDO:0010572, OMIM 304150.
X-linked distal spinal muscular atrophy type 3. Also called: ATP7A-Related Distal Motor Neuropathy; SPINAL MUSCULAR ATROPHY, DISTAL, X-LINKED RECESSIVE; NEUROPATHY, DISTAL HEREDITARY MOTOR, X-LINKED; NEURONOPATHY, DISTAL HEREDITARY MOTOR, X-LINKED. Identifiers: Orphanet 139557, MedGen C1845359, MONDO:0010338, OMIM 300489.
Menkes kinky-hair syndrome (MNK). Also called: Classic Menkes Disease; Copper transport disease; Menkes Disease. Identifiers: Orphanet 565, MedGen C0022716, MONDO:0010651, OMIM 309400.

Allele frequency attached by ClinVar (database versions not stated): gnomAD exomes below 0.00001 and 0.00001.
gnomAD v4.1: 1 of 1,205,120 alleles (0.000083%); highest among the groups gnomAD compares: Non-Finnish European, 0.00011%; no homozygotes.

Submission:

Labcorp Genetics (formerly Invitae), Labcorp
Classification: Uncertain significance for X-linked distal spinal muscular atrophy type 3; Cutis laxa, X-linked; Menkes kinky-hair syndrome. Last evaluated: 2021-08-28. Review status: criteria provided, single submitter. Criteria: Invitae Variant Classification Sherloc (09022015). Collection method: clinical testing. Allele origin: germline.
Comment: This sequence change replaces tyrosine with cysteine at codon 970 of the ATP7A protein (p.Tyr970Cys). The tyrosine residue is highly conserved and there is a large physicochemical difference between tyrosine and cysteine. This variant is not present in population databases (ExAC no frequency). This variant has not been reported in the literature in individuals affected with ATP7A-related conditions. Algorithms developed to predict the effect of missense changes on protein structure and function are either unavailable or do not agree on the potential impact of this missense change (SIFT: "Deleterious"; PolyPhen-2: "Probably Damaging"; Align-GVGD: "Class C0"). In summary, the available evidence is currently insufficient to determine the role of this variant in disease. Therefore, it has been classified as a Variant of Uncertain Significance.